The following is an entry in ClinVar:

ClinVar aggregate classification (germline): Uncertain significance. Review status: criteria provided, multiple submitters, no conflicts (2 of 4 stars). 2 submissions from 2 submitters: Uncertain significance (2). Last evaluated 2025-04-14.

Conditions:
Hereditary cancer-predisposing syndrome. Also called: Neoplastic Syndromes, Hereditary; Tumor predisposition; Hereditary Cancer Syndrome; Hereditary neoplastic syndrome. Identifiers: Orphanet 140162, MedGen C0027672, MeSH D009386, MONDO:0015356.

Allele frequency attached by ClinVar (database versions not stated): gnomAD exomes below 0.00001; TOPMed below 0.00001; gnomAD 0.00001.
gnomAD v4.1: 2 of 1,612,956 alleles (0.00012%); highest among the groups gnomAD compares: Admixed American, 0.0017%; no homozygotes.

Submissions (2):

Ambry Genetics
Classification: Uncertain significance for Hereditary cancer-predisposing syndrome. Last evaluated: 2025-04-14. Review status: criteria provided, single submitter. Criteria: Ambry Variant Classification Scheme 2023. Collection method: clinical testing. Allele origin: germline.
Comment: The c.986+3A>G intronic variant results from an A to G substitution 3 nucleotides after coding exon 7 in the SMARCB1 gene. This nucleotide position is well conserved in available vertebrate species. In silico splice site analysis predicts that this alteration will not have any significant effect on splicing. This variant was detected as heterozygous in individual(s) with no reported features of Coffin-Siris syndrome (Ambry internal data). Based on the supporting evidence, the association of this alteration with SMARCB1-related tumor predisposition syndrome is unknown; however, the association of this alteration with Coffin-Siris syndrome is unlikely.

Labcorp Genetics (formerly Invitae), Labcorp
Classification: Uncertain significance. Last evaluated: 2025-03-31. Review status: criteria provided, single submitter. Criteria: Invitae Variant Classification Sherloc (09022015). Collection method: clinical testing. Allele origin: germline.
Comment: This sequence change falls in intron 7 of the SMARCB1 gene. It does not directly change the encoded amino acid sequence of the SMARCB1 protein. It affects a nucleotide within the consensus splice site. This variant is not present in population databases (gnomAD no frequency). This variant has not been reported in the literature in individuals affected with SMARCB1-related conditions. ClinVar contains an entry for this variant (Variation ID: 647978). Variants that disrupt the consensus splice site are a relatively common cause of aberrant splicing (PMID: 17576681, 9536098). Algorithms developed to predict the effect of sequence changes on RNA splicing suggest that this variant is not likely to affect RNA splicing. In summary, the available evidence is currently insufficient to determine the role of this variant in disease. Therefore, it has been classified as a Variant of Uncertain Significance.

Literature cited by the submitters: PubMed 17576681 (cited by Labcorp Genetics (formerly Invitae), Labcorp); PubMed 9536098 (cited by Labcorp Genetics (formerly Invitae), Labcorp).

NM_003073.5(SMARCB1):c.986+3A>G

Gene: SMARCB1 (SWI/SNF related BAF chromatin remodeling complex subunit B1; plus strand). Cytogenetic location: 22q11.23.
Variant type: single nucleotide variant.
Coding change: c.986+3A>G on transcript NM_003073.5 (MANE Select); 3 bases into the intron after coding-DNA position 986, A replaced by G.
Molecular consequence: intron variant.
Genome position (GRCh38, 1-based): chr22:23,825,418, A>G. VCF-style: chr22-23825418-A-G. GRCh37 (hg19) VCF-style: chr22-24167605-A-G.
Other names: c.1040+3A>G (NM_001362877.2); c.1013+3A>G (NM_001317946.2); c.959+3A>G (NM_001007468.3); c.986+3A>G (LRG_520t1).
Identifiers: ClinVar variation 647978 (VCV000647978.9), dbSNP rs1601433601, ClinGen allele CA915952762.